The following is an entry in ClinVar:

NM_021975.4(RELA):c.41C>T (p.Ala14Val)

Gene: RELA (RELA proto-oncogene, NF-kB subunit; minus strand). Cytogenetic location: 11q13.1.
Variant type: single nucleotide variant.
Coding change: c.41C>T on transcript NM_021975.4 (MANE Select); coding-DNA position 41, C replaced by T.
Protein change: p.Ala14Val; replaces alanine 14 with valine.
Molecular consequence: missense variant. On other transcripts: 5 prime UTR variant (3).
Genome position (GRCh38, 1-based): chr11:65,662,082, G>A on the plus strand (C>T on the coding strand, the complement: RELA is on the minus strand). VCF-style: chr11-65662082-G-A. GRCh37 (hg19) VCF-style: chr11-65429553-G-A.
Other names: c.41C>T, p.Ala14Val (NM_001145138.2, NM_001243984.2, NM_001243985.2 and 3 more transcripts); c.14C>T, p.Ala5Val (NM_001404658.1); c.-249C>T (NM_001404661.1); c.-53C>T (NM_001404662.1, NM_001404663.1); short protein forms A5V, A14V.
Identifiers: ClinVar variation 3673693 (VCV003673693.2).

ClinVar aggregate classification (germline): Uncertain significance (1 of 4 stars; one submission).

Submission:

Labcorp Genetics (formerly Invitae), Labcorp
Classification: Uncertain significance. Last evaluated: 2024-03-17. Review status: criteria provided, single submitter. Criteria: Invitae Variant Classification Sherloc (09022015). Collection method: clinical testing. Allele origin: germline.
Comment: This sequence change replaces alanine, which is neutral and non-polar, with valine, which is neutral and non-polar, at codon 14 of the RELA protein (p.Ala14Val). This variant is not present in population databases (gnomAD no frequency). This variant has not been reported in the literature in individuals affected with RELA-related conditions. Algorithms developed to predict the effect of missense changes on protein structure and function output the following: SIFT: "Not Available"; PolyPhen-2: "Benign"; Align-GVGD: "Not Available". The valine amino acid residue is found in multiple mammalian species, which suggests that this missense change does not adversely affect protein function. In summary, the available evidence is currently insufficient to determine the role of this variant in disease. Therefore, it has been classified as a Variant of Uncertain Significance.